The following is an entry in ClinVar:

ClinVar aggregate classification (germline): Uncertain significance (1 of 4 stars; one submission).

Conditions:
Atrioventricular septal defect 4 (AVSD4). Identifiers: MedGen C3280781, MONDO:0013747, OMIM 614430.

Allele frequency attached by ClinVar (database versions not stated): gnomAD exomes below 0.00001.
gnomAD v4.1: 1 of 1,614,198 alleles (0.000062%); highest among the groups gnomAD compares: Non-Finnish European, 0.000085%; no homozygotes.

Submission:

Labcorp Genetics (formerly Invitae), Labcorp
Classification: Uncertain significance for Atrioventricular septal defect 4. Last evaluated: 2025-07-28. Review status: criteria provided, single submitter. Criteria: Invitae Variant Classification Sherloc (09022015). Collection method: clinical testing. Allele origin: germline.
Comment: This sequence change replaces serine, which is neutral and polar, with glycine, which is neutral and non-polar, at codon 356 of the GATA4 protein (p.Ser356Gly). This variant is present in population databases (no rsID available, gnomAD 0.0009%). This variant has not been reported in the literature in individuals affected with GATA4-related conditions. ClinVar contains an entry for this variant (Variation ID: 1499166). Invitae Evidence Modeling of protein sequence and biophysical properties (such as structural, functional, and spatial information, amino acid conservation, physicochemical variation, residue mobility, and thermodynamic stability) indicates that this missense variant is not expected to disrupt GATA4 protein function with a negative predictive value of 95%. In summary, the available evidence is currently insufficient to determine the role of this variant in disease. Therefore, it has been classified as a Variant of Uncertain Significance.

NM_001308093.3(GATA4):c.1069A>G (p.Ser357Gly)

Gene: GATA4 (GATA binding protein 4). Cytogenetic location: 8p23.1.
Variant type: single nucleotide variant.
Coding change: c.1069A>G on transcript NM_001308093.3 (MANE Select); coding-DNA position 1069, A replaced by G.
Protein change: p.Ser357Gly; replaces serine 357 with glycine.
Molecular consequence: missense variant.
Genome position (GRCh38, 1-based): chr8:11,757,003, A>G. VCF-style: chr8-11757003-A-G. GRCh37 (hg19) VCF-style: chr8-11614512-A-G.
Other names: c.448A>G, p.Ser150Gly (NM_001308094.2, NM_001374273.1); c.322A>G, p.Ser108Gly (NM_001374274.1); c.1066A>G, p.Ser356Gly (NM_002052.5); short protein forms S356G, S357G, S108G, S150G.
Identifiers: ClinVar variation 1499166 (VCV001499166.8), dbSNP rs1165825689, ClinGen allele CA370315350.